The following is an entry in ClinVar:

ClinVar aggregate classification (germline): Uncertain significance (1 of 4 stars; one submission).

Conditions:
Tumor predisposition syndrome 3 (TPDS3). Also called: Melanoma, cutaneous malignant, susceptibility to, 10; Glioma susceptibility 9; LONG TELOMERE SYNDROME, POT1-RELATED; POT1 Tumor Predisposition. Identifiers: Orphanet 618, MedGen C4014476, MONDO:0014368, OMIM 615848.

Submission:

Labcorp Genetics (formerly Invitae), Labcorp
Classification: Uncertain significance for Tumor predisposition syndrome 3. Last evaluated: 2019-01-25. Review status: criteria provided, single submitter. Criteria: Invitae Variant Classification Sherloc (09022015). Collection method: clinical testing. Allele origin: germline.
Comment: In summary, the available evidence is currently insufficient to determine the role of this variant in disease. Therefore, it has been classified as a Variant of Uncertain Significance. Algorithms developed to predict the effect of missense changes on protein structure and function output the following: SIFT: "Tolerated"; PolyPhen-2: "Benign"; Align-GVGD: "Class C0". The glutamic acid amino acid residue is found in multiple mammalian species, suggesting that this missense change does not adversely affect protein function. These predictions have not been confirmed by published functional studies and their clinical significance is uncertain. This variant has not been reported in the literature in individuals with POT1-related conditions. This variant is not present in population databases (ExAC no frequency). This sequence change replaces glycine with glutamic acid at codon 594 of the POT1 protein (p.Gly594Glu). The glycine residue is highly conserved and there is a moderate physicochemical difference between glycine and glutamic acid.

NM_015450.3(POT1):c.1781G>A (p.Gly594Glu)

Gene: POT1 (protection of telomeres 1; minus strand). Cytogenetic location: 7q31.33.
Variant type: single nucleotide variant.
Coding change: c.1781G>A on transcript NM_015450.3 (MANE Select); coding-DNA position 1781, G replaced by A.
Protein change: p.Gly594Glu; replaces glycine 594 with glutamic acid.
Molecular consequence: missense variant. On other transcripts: non-coding transcript variant (3).
Genome position (GRCh38, 1-based): chr7:124,825,263, C>T on the plus strand (G>A on the coding strand, the complement: POT1 is on the minus strand). VCF-style: chr7-124825263-C-T. GRCh37 (hg19) VCF-style: chr7-124465317-C-T.
Other names: c.1388G>A, p.Gly463Glu (NM_001042594.2); short protein forms G463E, G594E.
Identifiers: ClinVar variation 861620 (VCV000861620.10), dbSNP rs1794601658, ClinGen allele CA369062118.
Genomic context (GRCh38, chr7:124,825,263, plus strand): 5'-GCTATCTCAAGTAAAAGAAGTGTGGGATTGTTAAAATATTCTTGCCTACCAATTTTTATT[C>T]CTGGAGGACAAAACATATCCATGATCATATCCACACTTTTCTGAAGGTCATCATCCATCA-3'
Protein context (NP_056265.2, residues 584-604): DMIMDMFCPP[Gly594Glu]IKIDAYPWLE